The following is an entry in ClinVar:

NM_002473.6(MYH9):c.4400C>T (p.Ala1467Val)

Gene: MYH9 (myosin heavy chain 9; minus strand). Cytogenetic location: 22q12.3.
Variant type: single nucleotide variant.
Coding change: c.4400C>T on transcript NM_002473.6 (MANE Select); coding-DNA position 4400, C replaced by T.
Protein change: p.Ala1467Val; replaces alanine 1467 with valine.
Molecular consequence: missense variant.
Genome position (GRCh38, 1-based): chr22:36,289,242, G>A on the plus strand (C>T on the coding strand, the complement: MYH9 is on the minus strand). VCF-style: chr22-36289242-G-A. GRCh37 (hg19) VCF-style: chr22-36685288-G-A.
Other names: short protein forms A1467V.
Identifiers: ClinVar variation 3068601 (VCV003068601.1), dbSNP rs2517954643, ClinGen allele CA411380599.

ClinVar aggregate classification (germline): Uncertain significance (1 of 4 stars; one submission).

Conditions:
Macrothrombocytopenia and granulocyte inclusions with or without nephritis or sensorineural hearing loss (MATINS). Also called: BLEEDING DISORDER, PLATELET-TYPE, 6; MAY-HEGGLIN ANOMALY; DOHLE LEUKOCYTE INCLUSIONS WITH GIANT PLATELETS; SEBASTIAN PLATELET SYNDROME; MACROTHROMBOCYTOPENIA WITH DISPERSED LEUKOCYTIC INCLUSIONS; MACROTHROMBOCYTOPENIA, NEPHRITIS, AND DEAFNESS. Identifiers: Orphanet 182050, MedGen C5200934, MONDO:0015912, OMIM 155100.

Allele frequency attached by ClinVar (database versions not stated): gnomAD exomes below 0.00001.
gnomAD v4.1: 1 of 1,612,772 alleles (0.000062%); highest among the groups gnomAD compares: South Asian, 0.0011%; no homozygotes.

Submission:

Molecular Genetics, Royal Melbourne Hospital
Classification: Uncertain significance for Macrothrombocytopenia and granulocyte inclusions with or without nephritis or sensorineural hearing loss. Last evaluated: 2023-03-30. Review status: criteria provided, single submitter. Criteria: ACMG Guidelines, 2015. Collection method: clinical testing. Allele origin: germline.
Comment: This sequence change in MYH9 is predicted to replace alanine with valine at codon 1467, p.(Ala1467Val). The alanine residue is highly conserved (100 vertebrates, UCSC), and is located in the myosin tail 1 domain. There is a moderate physicochemical difference between alanine and valine. The highest population minor allele frequency in gnomAD v2.1 is 0.002% (2/113,160 alleles) in the European (non-Finnish) population, which is lower than the credible allele frequency for dominant hearing loss genes (MYH9 included). To our knowledge, this variant has not been reported in the literature in any individuals with MYH9-related disease. Multiple lines of computational evidence have conflicting predictions for the missense substitution (4/6 algorithms predict deleterious). Based on the classification scheme RMH Modified ACMG Guidelines v1.5.1, this variant is classified as a VARIANT OF UNCERTAIN SIGNIFICANCE. Following criteria are met: PM2_Supporting.